The following is an entry in ClinVar:

ClinVar aggregate classification (germline): Likely benign (1 of 4 stars; one submission).

Allele frequency attached by ClinVar (database versions not stated): 1000 Genomes Project 0.00060; 1000 Genomes Project 30x 0.00062; gnomAD 0.00137; ExAC 0.00145; TOPMed 0.00146; ESP Exome Variant Server 0.00154; gnomAD exomes 0.00209.
gnomAD v4.1: 3,165 of 1,584,810 alleles (0.2%); highest among the groups gnomAD compares: Non-Finnish European, 0.24%; 7 homozygotes.

Submission:

CeGaT Center for Human Genetics Tuebingen
Classification: Likely benign. Last evaluated: 2022-07-01. Review status: criteria provided, single submitter. Criteria: CeGaT Center For Human Genetics Tuebingen Variant Classification Criteria Version 2. Collection method: clinical testing. Allele origin: germline. Affected: yes. Observed: 1 variant allele.
Comment: CEP70: BS2

NM_024491.4(CEP70):c.1526T>A (p.Leu509His)

Gene: CEP70 (centrosomal protein 70; minus strand). Cytogenetic location: 3q22.3.
Variant type: single nucleotide variant.
Coding change: c.1526T>A on transcript NM_024491.4 (MANE Select); coding-DNA position 1526, T replaced by A.
Protein change: p.Leu509His; replaces leucine 509 with histidine.
Molecular consequence: missense variant.
Genome position (GRCh38, 1-based): chr3:138,500,410, A>T on the plus strand (T>A on the coding strand, the complement: CEP70 is on the minus strand). VCF-style: chr3-138500410-A-T. GRCh37 (hg19) VCF-style: chr3-138219252-A-T.
Other names: c.1472T>A, p.Leu491His (NM_001288964.2); c.1466T>A, p.Leu489His (NM_001288965.2); c.1526T>A, p.Leu509His (NM_001288966.2, NM_001320598.2, NM_001320599.2); c.1070T>A, p.Leu357His (NM_001288967.2); short protein forms L357H, L489H, L491H, L509H.
Identifiers: ClinVar variation 2654190 (VCV002654190.24), dbSNP rs114744558, ClinGen allele CA2638189.
Genomic context (GRCh38, chr3:138,500,410, plus strand): 5'-TATTAAAAATTCTTAAATGGGGGCCCAAAATGACAAATTAGGTCATCACCTAATTCTAAG[A>T]GTTCTTGGAGGTTTCTCACAGCATTGTTCATTTCTCCAAGCCTAGTATAAACTTCATTCA-3'
Protein context (NP_077817.2, residues 499-519): MNNAVRNLQE[Leu509His]LELDSSSSLC